The following is an entry in ClinVar:

NM_198576.4(AGRN):c.1841C>T (p.Ser614Phe)

Gene: AGRN (agrin; plus strand). Cytogenetic location: 1p36.33.
Variant type: single nucleotide variant.
Coding change: c.1841C>T on transcript NM_198576.4 (MANE Select); coding-DNA position 1841, C replaced by T.
Protein change: p.Ser614Phe; replaces serine 614 with phenylalanine.
Molecular consequence: missense variant.
Genome position (GRCh38, 1-based): chr1:1,043,865, C>T. VCF-style: chr1-1043865-C-T. GRCh37 (hg19) VCF-style: chr1-979245-C-T.
Other names: c.1841C>T, p.Ser614Phe (NM_001305275.2); c.1526C>T, p.Ser509Phe (NM_001364727.2); short protein forms S509F, S614F.
Identifiers: ClinVar variation 1014493 (VCV001014493.6), dbSNP rs202090219, ClinGen allele CA508354.
Genomic context (GRCh38, chr1:1,043,865, plus strand): 5'-TGGCTCTGTCTCCTGCAGAGACCTGTGGAGATGCCGTGTGTGCTTTTGGGGCTGTGTGCT[C>T]CGCAGGGCAGTGTGTGTGTCCCCGGTGTGAGCACCCCCCGCCCGGCCCCGTGTGTGGCAG-3'
Protein context (NP_940978.2, residues 604-624): DAVCAFGAVC[Ser614Phe]AGQCVCPRCE

ClinVar aggregate classification (germline): Uncertain significance (1 of 4 stars; one submission).

Conditions:
Congenital myasthenic syndrome 8. Also called: Myasthenic syndrome, congenital, 8, with pre- and postsynaptic defects; MYASTHENIC SYNDROME, CONGENITAL, DUE TO AGRIN DEFICIENCY. Identifiers: Orphanet 590, MedGen C3808739, MONDO:0014052, OMIM 615120.

Allele frequency attached by ClinVar (database versions not stated): gnomAD 0.00001 and 0.00002; ExAC 0.00002; gnomAD exomes 0.00002; 1000 Genomes Project 30x 0.00016; 1000 Genomes Project 0.00020.
gnomAD v4.1: 14 of 1,611,384 alleles (0.00087%); highest among the groups gnomAD compares: African/African-American, 0.0013%; no homozygotes.

Submission:

Labcorp Genetics (formerly Invitae), Labcorp
Classification: Uncertain significance for Congenital myasthenic syndrome 8. Last evaluated: 2022-08-15. Review status: criteria provided, single submitter. Criteria: Invitae Variant Classification Sherloc (09022015). Collection method: clinical testing. Allele origin: germline.
Comment: This sequence change replaces serine, which is neutral and polar, with phenylalanine, which is neutral and non-polar, at codon 614 of the AGRN protein (p.Ser614Phe). This variant is present in population databases (rs202090219, gnomAD 0.005%). This variant has not been reported in the literature in individuals affected with AGRN-related conditions. ClinVar contains an entry for this variant (Variation ID: 1014493). Algorithms developed to predict the effect of missense changes on protein structure and function are either unavailable or do not agree on the potential impact of this missense change (SIFT: "Tolerated"; PolyPhen-2: "Possibly Damaging"; Align-GVGD: "Class C0"). In summary, the available evidence is currently insufficient to determine the role of this variant in disease. Therefore, it has been classified as a Variant of Uncertain Significance.